The following is an entry in ClinVar:

NM_001005361.3(DNM2):c.1565G>A (p.Arg522His)

Gene: DNM2 (dynamin 2; plus strand). Cytogenetic location: 19p13.2.
Variant type: single nucleotide variant.
Coding change: c.1565G>A on transcript NM_001005361.3 (MANE Select); coding-DNA position 1565, G replaced by A.
Protein change: p.Arg522His; replaces arginine 522 with histidine.
Molecular consequence: missense variant.
Genome position (GRCh38, 1-based): chr19:10,812,271, G>A. VCF-style: chr19-10812271-G-A. GRCh37 (hg19) VCF-style: chr19-10922947-G-A.
Other names: NM_001005361.3(DNM2):c.1565G>A; c.1565G>A, p.Arg522His (NM_001005360.3, NM_001190716.2); c.1553G>A, p.Arg518His (NM_001005362.3, NM_004945.4); short protein forms R522H, R518H.
Identifiers: ClinVar variation 158514 (VCV000158514.70), dbSNP rs587783595, ClinGen allele CA172101.

ClinVar aggregate classification (germline): Pathogenic. Review status: reviewed by expert panel (3 of 4 stars). 13 submissions from 13 submitters: Pathogenic (1). 12 of the submissions do not count toward it. Last evaluated 2025-04-14.

Conditions:
Centronuclear myopathy (CNM). Also called: Myotubular myopathy; Centronuclear myopathy, congenital. Identifiers: Orphanet 595, MedGen C0175709, MONDO:0018947. Inheritance: All.
Autosomal dominant centronuclear myopathy. Also called: MYOTUBULAR MYOPATHY, AUTOSOMAL DOMINANT; Myopathy, centronuclear, 3. Identifiers: Orphanet 169189, MedGen C4551952, MeSH D020914, MONDO:0008048, OMIM 160150.
Charcot-Marie-Tooth disease dominant intermediate B (CMTDIB). Also called: CHARCOT-MARIE-TOOTH NEUROPATHY, DOMINANT INTERMEDIATE B; Charcot-Marie-Tooth disease dominant intermediate 1; CMT DI1; Charcot-Marie-Tooth disease dominant intermediate I. Identifiers: Orphanet 100044, Orphanet 228179, MedGen C1847902, MONDO:0011674, OMIM 606482.

Submissions (13):

ClinGen Congenital Myopathies Variant Curation Expert Panel, ClinGen
Classification: Pathogenic for Centronuclear myopathy. Last evaluated: 2025-04-14. Review status: reviewed by expert panel. Criteria: ClinGen CongenMyopathy ACMG Specifications DNM2 V1.0.0. Collection method: curation. Allele origin: germline. Inheritance: Autosomal dominant inheritance.
Comment: The NM_001005361.3:c.1565G>A variant in DNM2 is a missense variant predicted to cause substitution of arginine by histidine at amino acid 522 (p.Arg522His). The variant is absent from gnomAD v4.1.0 meeting PM2_Supporting. DNM2, in which the variant was identified, is defined by the ClinGen Congenital Myopathies VCEP as a gene that has a low rate of benign missense variation and where pathogenic missense variants are a common mechanism of disease (PP2). The REVEL computational prediction analysis tool gives a score of 0.892, which is above the threshold necessary to apply PP3. This variant has been reported in at least eight probands with centronuclear myopathy, of which two were identified to be de novo occurrences (PS2, PS4; PMIDs: 20227276, 29105112, 32826616; Baylor Genetics, GeneDx, Athena Diagnostics, ClinVar: SCV000807289.2, SCV000329752.6, SCV000841851.1; VCEP Internal data contributor). Additionally, the variant segregated with disease in 4 family members meeting PP1_Moderate (PMID: 20227276). Live correlative scanning ion conductance microscopy (SICM) and fluorescence confocal microscopy (FCM) showed that the p.Arg522His variant slows down the formation of clathrin-coated pits in skin fibroblasts from patients and in Cos-7 cells expressing corresponding dynamin mutants (PS3_Supporting, PMID: 31017801). In summary, the variant meets the criteria to be classified as pathogenic for autosomal dominant centronuclear myopathy. ACMG/AMP criteria met, as specified by the ClinGen Congenital Myopathies VCEP: PS2, PS4, PP1_Moderate, PS3_Supporting, PM2_Supporting, PP2, PP3 (ClinGen Congenital Myopathies VCEP specifications version 1.0.0; 4/14/2025

Victorian Clinical Genetics Services, Murdoch Childrens Research Institute
Classification: Pathogenic for Autosomal dominant centronuclear myopathy. Last evaluated: 2026-01-06. Review status: criteria provided, single submitter. Criteria: ACMG Guidelines, 2015. Collection method: clinical testing. Allele origin: germline. Affected: yes. Not counted in ClinVar's aggregate classification.
Comment: This variant is classified as Pathogenic. Evidence in support of pathogenic classification: Variant is absent from gnomAD (v2, v3 and v4); This variant has strong previous evidence of pathogenicity in unrelated individuals. This variant has been classified as pathogenic for centronuclear myopathy by the ClinGen Congenital Myopathies Variant Curation Expert Panel; Missense variant predicted to be damaging by in silico tool(s) or highly conserved with a major amino acid change. Additional information: Variant is predicted to result in a missense amino acid change from Arg to His; This variant is heterozygous; This gene is associated with autosomal dominant disease. DNM2 is generally associated with autosomal dominant disease; however, recessive inheritance of a hypomorphic allele has been reported in a family where offspring with a homozygous missense variant displayed a severe lethal neonatal phenotype, and heterozygous parents presented with a mild form of myopathy (OMIM); Alternative amino acid change(s) at the same position are present in gnomAD (highest allele count: v4: 2 heterozygote(s), 0 homozygote(s)); Gain of function is a known mechanism of disease in this gene and is associated with centronuclear myopathy 1 (MIM#160150). Charcot-Marie-Tooth disease, axonal type 2M and dominant intermediate B (MIM#606482) are also associated with this gene; however, the mechanism of disease for these conditions is currently not established; Variants in this gene are known to have variable expressivity. Interfamilial and intrafamilial variability have been reported (PMID: 22396310); Inheritance information for this variant is not currently available in this individual.

Labcorp Genetics (formerly Invitae), Labcorp
Classification: Pathogenic for Charcot-Marie-Tooth disease dominant intermediate B. Last evaluated: 2025-12-02. Review status: criteria provided, single submitter. Criteria: Invitae Variant Classification Sherloc (09022015). Collection method: clinical testing. Allele origin: germline. Not counted in ClinVar's aggregate classification.
Comment: This sequence change replaces arginine, which is basic and polar, with histidine, which is basic and polar, at codon 522 of the DNM2 protein (p.Arg522His). This variant is not present in population databases (gnomAD no frequency). This missense change has been observed in individual(s) with centronuclear myopathy (PMID: 20227276, 22396310, 24465259, 25501959, 25957634, 26908122). In at least one individual the variant was observed to be de novo. It has also been observed to segregate with disease in related individuals. ClinVar contains an entry for this variant (Variation ID: 158514). Invitae Evidence Modeling of protein sequence and biophysical properties (such as structural, functional, and spatial information, amino acid conservation, physicochemical variation, residue mobility, and thermodynamic stability) has been performed for this missense variant. However, the output from this modeling did not meet the statistical confidence thresholds required to predict the impact of this variant on DNM2 protein function. Experimental studies have shown that this missense change affects DNM2 function (PMID: 22096584, 26842864). For these reasons, this variant has been classified as Pathogenic.

Kariminejad - Najmabadi Pathology & Genetics Center
Classification: Likely pathogenic for Autosomal dominant centronuclear myopathy. Last evaluated: 2022-11-07. Review status: criteria provided, single submitter. Criteria: ACMG Guidelines, 2015. Collection method: clinical testing. Allele origin: germline. Inheritance: Autosomal dominant inheritance. Affected: yes. Observed: 2 variant alleles. Not counted in ClinVar's aggregate classification.
Comment: PM2-PM6, PP5, PP3

MGZ Medical Genetics Center
Classification: Pathogenic for Autosomal dominant centronuclear myopathy. Last evaluated: 2022-05-19. Review status: criteria provided, single submitter. Criteria: ACMG Guidelines, 2015. Collection method: clinical testing. Allele origin: germline. Affected: yes. Observed: 2 variant alleles. Not counted in ClinVar's aggregate classification.
Comment: ACMG criteria applied: PS3, PS4, PM6, PM2_SUP, PP1, PP3

Laboratorio de Genetica e Diagnostico Molecular, Hospital Israelita Albert Einstein
Classification: Likely pathogenic. Last evaluated: 2020-08-20. Review status: criteria provided, single submitter. Criteria: ACMG Guidelines, 2015. Collection method: clinical testing. Allele origin: germline. Affected: yes. Not counted in ClinVar's aggregate classification.
Comment: ACMG classification criteria: PS4, PM2, PM6, PP1

Revvity Omics, Revvity
Classification: Pathogenic. Last evaluated: 2020-05-26. Review status: criteria provided, single submitter. Criteria: ACMG Guidelines, 2015. Collection method: clinical testing. Allele origin: germline. Not counted in ClinVar's aggregate classification.

GeneDx
Classification: Pathogenic. Last evaluated: 2019-09-04. Review status: criteria provided, single submitter. Criteria: GeneDx Variant Classification Process June 2021. Collection method: clinical testing. Allele origin: germline. Affected: yes. Not counted in ClinVar's aggregate classification.
Comment: Reported in association with centronuclear myopathy in published literature (Susman et al., 2010; Chen et al., 2015); Published functional studies demonstrate that R522H impairs protein interaction with microtubules and results in reduced clathrin-mediated endocytosis (Koutsopoulos et al., 2011; Bragato et al., 2016); Not observed in large population cohorts (Lek et al., 2016); The majority of missense variants in this gene are considered pathogenic (Stenson et al., 2014); In silico analysis, which includes protein predictors and evolutionary conservation, supports a deleterious effect; A diffferent missense change at this residue (R522C) has been reported in the Human Gene Mutation Database in association with CNM (Stenson et al., 2014); This variant is associated with the following publications: (PMID: 26908122, 22096584, 26842864, 20227276, 25501959, 27363342, 29105112, 28357410, 31017801, 32826616)

CeGaT Center for Human Genetics Tuebingen
Classification: Pathogenic. Last evaluated: 2018-07-01. Review status: criteria provided, single submitter. Criteria: CeGaT Center For Human Genetics Tuebingen Variant Classification Criteria Version 2. Collection method: clinical testing. Allele origin: germline. Affected: yes. Observed: 1 variant allele. Not counted in ClinVar's aggregate classification.

Athena Diagnostics
Classification: Pathogenic. Last evaluated: 2017-12-07. Review status: criteria provided, single submitter. Criteria: Athena Diagnostics Criteria. Collection method: clinical testing. Allele origin: germline. Not counted in ClinVar's aggregate classification.

Baylor Genetics
Classification: Pathogenic for Autosomal dominant centronuclear myopathy. Last evaluated: 2017-09-01. Review status: criteria provided, single submitter. Criteria: ACMG Guidelines, 2015. Collection method: clinical testing. Allele origin: de novo. Inheritance: Autosomal dominant inheritance. Affected: yes. Not counted in ClinVar's aggregate classification.

Genetic Services Laboratory, University of Chicago
Classification: Pathogenic for Myopathy, centronuclear. Last evaluated: 2013-02-08. Review status: criteria provided, single submitter. Criteria: ACMG Guidelines, 2007. Collection method: clinical testing. Allele origin: germline. Inheritance: Autosomal dominant inheritance. Affected: yes. Not counted in ClinVar's aggregate classification.

Inherited Neuropathy Consortium Ii, University Of Miami
Classification: Uncertain significance for Charcot-Marie-Tooth disease dominant intermediate B. Last evaluated: 2016-01-06. Review status: no assertion criteria provided. Collection method: literature only. Allele origin: germline. Affected: yes. Not counted in ClinVar's aggregate classification.

Literature cited by the submitters: PubMed 22396310 (cited by Victorian Clinical Genetics Services, Murdoch Childrens Research Institute and Labcorp Genetics (formerly Invitae), Labcorp); PubMed 20227276 (cited by 4 submitters); PubMed 24465259 (cited by Labcorp Genetics (formerly Invitae), Labcorp and Athena Diagnostics); PubMed 25501959 (cited by Labcorp Genetics (formerly Invitae), Labcorp and Athena Diagnostics); PubMed 25957634 (cited by Labcorp Genetics (formerly Invitae), Labcorp); PubMed 26908122 (cited by Labcorp Genetics (formerly Invitae), Labcorp and Athena Diagnostics); PubMed 22096584 (cited by 3 submitters); PubMed 26842864 (cited by Labcorp Genetics (formerly Invitae), Labcorp and Athena Diagnostics); PubMed 25326635 (cited by Baylor Genetics).